The following is an entry in ClinVar:

ClinVar aggregate classification (germline): Likely benign (1 of 4 stars; one submission).

Allele frequency attached by ClinVar (database versions not stated): gnomAD exomes below 0.00001; TOPMed 0.00005.
gnomAD v4.1: 6 of 702,614 alleles (0.00085%); highest among the groups gnomAD compares: African/African-American, 0.0087%; no homozygotes.

Submission:

CeGaT Center for Human Genetics Tuebingen
Classification: Likely benign. Last evaluated: 2022-07-01. Review status: criteria provided, single submitter. Criteria: CeGaT Center For Human Genetics Tuebingen Variant Classification Criteria Version 2. Collection method: clinical testing. Allele origin: germline. Affected: yes. Observed: 1 variant allele.
Comment: WDR97: BP4, BP7

NM_001316309.2(WDR97):c.2331G>C (p.Val777=)

Gene: WDR97 (WD repeat domain 97; plus strand). Cytogenetic location: 8q24.3.
Variant type: single nucleotide variant.
Coding change: c.2331G>C on transcript NM_001316309.2 (MANE Select); coding-DNA position 2331, G replaced by C.
Protein change: p.Val777=; no amino-acid change (valine 777 retained).
Molecular consequence: synonymous variant.
Genome position (GRCh38, 1-based): chr8:144,111,127, G>C. VCF-style: chr8-144111127-G-C. GRCh37 (hg19) VCF-style: chr8-145166030-G-C.
Identifiers: ClinVar variation 2658974 (VCV002658974.24), dbSNP rs535866695, ClinGen allele CA463434993.
Genomic context (GRCh38, chr8:144,111,127, plus strand): 5'-CCAGCCAGGGATACAGGCTCCTTCCCCTATTCAGAAGATGTGCCGGAAGGCCCCAGACGT[G>C]GTGGACGACCCTCCGCTGCCACTGATGAGCCAGGAGTCACTGACTTCCGCCCAACTGCAG-3'
Protein context (NP_001303238.1, residues 767-787): VKKMCRKAPD[Val777=]VDDPPLPLMS